The following is an entry in ClinVar:

ClinVar aggregate classification (germline): Uncertain significance (1 of 4 stars; one submission).

Submission:

Women's Health and Genetics/Laboratory Corporation of America, LabCorp
Classification: Uncertain significance. Last evaluated: 2025-10-07. Review status: criteria provided, single submitter. Criteria: LabCorp Variant Classification Summary - May 2015. Collection method: clinical testing. Allele origin: germline.
Comment: Variant summary: The variant involves the duplication of exons 28-40 in the MYH7 gene. A presumed nomenclature of c.(3726+1_3727-1)_(*115_?)dup has been designated for the purposes of this classification. The exact breakpoint at the 3' end of this variant is unknown, therefore this duplication may extend downstream of the annotated region of the gene. As it duplicates the termination codon, its effect on the encoded protein is unknown. The frequency of this variant in the general population could not be determined as the technology used for large population databases (ExAC, gnomAD, ESP, 1000G) cannot detect variants of this type. The available data on variant occurrences in the general population are insufficient to allow any conclusion about variant significance. To our knowledge, no occurrence of c.(3726+1_3727-1)_(*115_?)dup in individuals affected with MYH7-related conditions and no experimental evidence demonstrating its impact on protein function have been reported. No submitters have cited clinical-significance assessments for this variant to ClinVar. Based on the evidence outlined above, the variant was classified as uncertain significance.

NC_000014.8:g.(?_23881948)_(23888819_23889053)dup

Genes: MIR208B (microRNA 208b; minus strand), MYH7 (myosin heavy chain 7; minus strand). Cytogenetic location: 14q11.2.
Variant type: Duplication.
Identifiers: ClinVar variation 4687509 (VCV004687509.1).